The following is an entry in ClinVar:

NM_033400.3(ZFHX2):c.4092C>G (p.Leu1364=)

Genes: THTPA (thiamine triphosphatase; plus strand), ZFHX2 (zinc finger homeobox 2; minus strand). Cytogenetic location: 14q11.2.
Variant type: single nucleotide variant.
Coding change: c.4092C>G on transcript NM_033400.3 (MANE Select); coding-DNA position 4092, C replaced by G.
Protein change: p.Leu1364=; no amino-acid change (leucine 1364 retained).
Molecular consequence: synonymous variant.
Genome position (GRCh38, 1-based): chr14:23,525,850, G>C on the plus strand (C>G on the coding strand, the complement: ZFHX2 is on the minus strand). VCF-style: chr14-23525850-G-C. GRCh37 (hg19) VCF-style: chr14-23995059-G-C.
Identifiers: ClinVar variation 3234406 (VCV003234406.20), dbSNP rs2502000893, ClinGen allele CA485770099.

ClinVar aggregate classification (germline): Likely benign (1 of 4 stars; one submission).

Submission:

CeGaT Center for Human Genetics Tuebingen
Classification: Likely benign. Last evaluated: 2024-03-01. Review status: criteria provided, single submitter. Criteria: CeGaT Center For Human Genetics Tuebingen Variant Classification Criteria Version 2. Collection method: clinical testing. Allele origin: germline. Affected: yes. Observed: 1 variant allele.
Comment: ZFHX2: PM2:Supporting, BP4, BP7